The following is an entry in ClinVar:

ClinVar aggregate classification (germline): Conflicting classifications of pathogenicity. Review status: criteria provided, conflicting classifications (1 of 4 stars). 4 submissions from 4 submitters: Likely pathogenic (2); Uncertain significance (1). 1 of the submissions does not count toward it. Last evaluated 2025-08-05.

Conditions:
Dilated cardiomyopathy 1G (CMD1G). Identifiers: Orphanet 154, MedGen C1858763, MONDO:0011400, OMIM 604145.
Autosomal recessive limb-girdle muscular dystrophy type 2J (LGMDR10). Also called: Limb-girdle muscular dystrophy, type 2J; MUSCULAR DYSTROPHY, LIMB-GIRDLE, AUTOSOMAL RECESSIVE 10. Identifiers: Orphanet 140922, MedGen C1837342, MONDO:0012127, OMIM 608807.

Allele frequency attached by ClinVar (database versions not stated): gnomAD exomes below 0.00001; gnomAD 0.00001; TOPMed 0.00001.
gnomAD v4.1: 4 of 1,612,904 alleles (0.00025%); highest among the groups gnomAD compares: African/African-American, 0.0013%; no homozygotes.

Submissions (4):

Labcorp Genetics (formerly Invitae), Labcorp
Classification: Likely pathogenic for Dilated cardiomyopathy 1G; Autosomal recessive limb-girdle muscular dystrophy type 2J. Last evaluated: 2025-08-05. Review status: criteria provided, single submitter. Criteria: Invitae Variant Classification Sherloc (09022015). Collection method: clinical testing. Allele origin: germline.
Comment: This sequence change creates a premature translational stop signal (p.Arg7644*) in the TTN gene. While this is not anticipated to result in nonsense mediated decay, it is expected to create a truncated TTN protein. This variant is present in population databases (no rsID available, gnomAD 0.0009%). This variant has not been reported in the literature in individuals affected with TTN-related conditions. ClinVar contains an entry for this variant (Variation ID: 932569). This variant is located in the I band of TTN (PMID: 25589632). Truncating variants in this region have been reported in individuals affected with autosomal recessive centronuclear myopathy (PMID: 23975875, internal data). Truncating variants in this region have also been identified in individuals affected with autosomal dominant dilated cardiomyopathy and/or cardio-related conditions (PMID: 27869827, 32964742, internal data). In summary, the currently available evidence indicates that the variant is pathogenic, but additional data are needed to prove that conclusively. Therefore, this variant has been classified as Likely Pathogenic.

GeneDx
Classification: Likely pathogenic. Last evaluated: 2025-06-11. Review status: criteria provided, single submitter. Criteria: GeneDx Variant Classification Process June 2021. Collection method: clinical testing. Allele origin: germline. Affected: yes.
Comment: Not observed at significant frequency in large population cohorts (gnomAD); Nonsense variant predicted to result in protein truncation or nonsense mediated decay in a gene or region of a gene for which loss of function is not a well-established mechanism of disease; This variant is associated with the following publications: (PMID: 38642551)

CeGaT Center for Human Genetics Tuebingen
Classification: Uncertain significance. Last evaluated: 2020-06-01. Review status: criteria provided, single submitter. Criteria: CeGaT Center For Human Genetics Tuebingen Variant Classification Criteria Version 2. Collection method: clinical testing. Allele origin: germline. Affected: yes. Observed: 1 variant allele.

Clinical Genetics Laboratory, University Hospital Schleswig-Holstein
Classification: Pathogenic for Dilated cardiomyopathy 1G. Last evaluated: 2022-06-02. Review status: no assertion criteria provided. Collection method: clinical testing. Allele origin: germline. Affected: yes. Not counted in ClinVar's aggregate classification.

Literature cited by the submitters: PubMed 25589632 (cited by Labcorp Genetics (formerly Invitae), Labcorp); PubMed 23975875 (cited by Labcorp Genetics (formerly Invitae), Labcorp); PubMed 27869827 (cited by Labcorp Genetics (formerly Invitae), Labcorp); PubMed 32964742 (cited by Labcorp Genetics (formerly Invitae), Labcorp).

NM_001267550.2(TTN):c.22930C>T (p.Arg7644Ter)

Gene: TTN (titin; minus strand). Cytogenetic location: 2q31.2.
Variant type: single nucleotide variant.
Coding change: c.22930C>T on transcript NM_001267550.2 (MANE Select); coding-DNA position 22930, C replaced by T.
Protein change: p.Arg7644Ter; replaces arginine 7644 with a stop codon.
Molecular consequence: nonsense. On other transcripts: intron variant (3).
Genome position (GRCh38, 1-based): chr2:178,721,089, G>A on the plus strand (C>T on the coding strand, the complement: TTN is on the minus strand). VCF-style: chr2-178721089-G-A. GRCh37 (hg19) VCF-style: chr2-179585816-G-A.
Other names: c.21979C>T, p.Arg7327Ter (NM_001256850.1); c.19198C>T, p.Arg6400Ter (NM_133378.4); c.13282+16993C>T (NM_003319.4); c.13858+16993C>T (NM_133437.4); c.13657+16993C>T (NM_133432.3); short protein forms R7327*, R7644*, R6400*.
Identifiers: ClinVar variation 932569 (VCV000932569.42), dbSNP rs1340940049, ClinGen allele CA349518057.